The following is an entry in ClinVar:

ClinVar aggregate classification (germline): Likely benign. Review status: criteria provided, single submitter (1 of 4 stars). 2 submissions from 2 submitters: Likely benign (1). 1 of the submissions does not count toward it. Last evaluated 2022-08-22.

Conditions:
Epileptic encephalopathy. Identifiers: MedGen C0543888, HP:0200134.
RYR3-related disorder. Also called: RYR3-related condition.

Allele frequency attached by ClinVar (database versions not stated): ESP Exome Variant Server 0.00016; gnomAD exomes 0.00027 and 0.00019; TOPMed 0.00014; ExAC 0.00025; gnomAD 0.00009 and 0.00016.
gnomAD v4.1: 308 of 1,613,934 alleles (0.019%); highest among the groups gnomAD compares: South Asian, 0.24%; 1 homozygote.

Submissions (2):

Labcorp Genetics (formerly Invitae), Labcorp
Classification: Likely benign for Epileptic encephalopathy. Last evaluated: 2022-08-22. Review status: criteria provided, single submitter. Criteria: Invitae Variant Classification Sherloc (09022015). Collection method: clinical testing. Allele origin: germline.

PreventionGenetics, part of Exact Sciences
Classification: Likely benign for RYR3-related condition. Last evaluated: 2019-03-20. Review status: no assertion criteria provided. Collection method: clinical testing. Allele origin: germline. Not counted in ClinVar's aggregate classification.
Comment: This variant is classified as likely benign based on ACMG/AMP sequence variant interpretation guidelines (Richards et al. 2015 PMID: 25741868, with internal and published modifications).

NM_001036.6(RYR3):c.14163C>T (p.Tyr4721=)

Genes: RYR3 (ryanodine receptor 3; plus strand), AVEN (apoptosis and caspase activation inhibitor; minus strand). Cytogenetic location: 15q14.
Variant type: single nucleotide variant.
Coding change: c.14163C>T on transcript NM_001036.6 (MANE Select); coding-DNA position 14163, C replaced by T.
Protein change: p.Tyr4721=; no amino-acid change (tyrosine 4721 retained).
Molecular consequence: synonymous variant.
Genome position (GRCh38, 1-based): chr15:33,859,595, C>T. VCF-style: chr15-33859595-C-T. GRCh37 (hg19) VCF-style: chr15-34151796-C-T.
Other names: c.14148C>T, p.Tyr4716= (NM_001243996.4).
Identifiers: ClinVar variation 784799 (VCV000784799.12), dbSNP rs371505693, ClinGen allele CA7461949.